The following is an entry in ClinVar:

NM_001042492.3(NF1):c.1175_1179del (p.Gln392fs)

Gene: NF1 (neurofibromin 1; plus strand). Cytogenetic location: 17q11.2.
Variant type: Deletion.
Coding change: c.1175_1179del on transcript NM_001042492.3 (MANE Select); coding-DNA positions 1175 to 1179, 5 bases deleted (AACAC; older notation c.1175_1179delAACAC).
Protein change: p.Gln392fs; shifts the reading frame from glutamine 392.
Molecular consequence: frameshift variant.
Genome position (GRCh38, 1-based): chr17:31,201,149-31,201,153, AACAC deleted; deleting any 5 consecutive bases within chr17:31,201,148-31,201,153 gives the same sequence; the c. name uses the placement nearest the transcript's 3' end. VCF-style (leftmost placement, unchanged base first): chr17-31201147-CCAACA-C. GRCh37 (hg19) VCF-style: chr17-29528165-CCAACA-C.
Other names: c.1175_1179delAACAC, p.Gln392Leufs (NM_000267.4); c.1175_1179del, p.Gln392fs (NM_001128147.3); short protein forms Q392fs.
Identifiers: ClinVar variation 2859550 (VCV002859550.3), dbSNP rs2544797462, ClinGen allele CA2739267335.

ClinVar aggregate classification (germline): Pathogenic (1 of 4 stars; one submission).

Conditions:
Neurofibromatosis, type 1 (NF1). Also called: Neurofibromatosis, type I; NEUROFIBROMATOSIS, TYPE I, SOMATIC; Peripheral type neurofibromatosis; VON RECKLINGHAUSEN DISEASE. Identifiers: Orphanet 636, MedGen C0027831, MONDO:0018975, OMIM 162200. Disease mechanism: loss of function.

Submission:

Labcorp Genetics (formerly Invitae), Labcorp
Classification: Pathogenic for Neurofibromatosis, type 1. Last evaluated: 2023-04-26. Review status: criteria provided, single submitter. Criteria: Invitae Variant Classification Sherloc (09022015). Collection method: clinical testing. Allele origin: germline.
Comment: This sequence change creates a premature translational stop signal (p.Gln392Leufs*2) in the NF1 gene. It is expected to result in an absent or disrupted protein product. Loss-of-function variants in NF1 are known to be pathogenic (PMID: 10712197, 23913538). For these reasons, this variant has been classified as Pathogenic. This variant has not been reported in the literature in individuals affected with NF1-related conditions. This variant is not present in population databases (gnomAD no frequency).

Literature cited by the submitters: PubMed 10712197; PubMed 23913538.